The following is an entry in ClinVar:

ClinVar aggregate classification (germline): Likely benign. Review status: criteria provided, multiple submitters, no conflicts (2 of 4 stars). 9 submissions from 9 submitters: Likely benign (7). 2 of the submissions do not count toward it. Last evaluated 2026-01-31.

Conditions:
VCL-related disorder. Also called: VCL-related condition.
Cardiovascular phenotype. Identifiers: MedGen CN230736.
Dilated cardiomyopathy 1W (CMD1W). Identifiers: Orphanet 154, MedGen C1969639, MONDO:0012667, OMIM 611407.

Allele frequency attached by ClinVar (database versions not stated): ExAC 0.00002; gnomAD 0.00004 and 0.00005; gnomAD exomes 0.00004; TOPMed 0.00005.
gnomAD v4.1: 79 of 1,613,976 alleles (0.0049%); highest among the groups gnomAD compares: Middle Eastern, 0.016%; no homozygotes.

Submissions (9):

Labcorp Genetics (formerly Invitae), Labcorp
Classification: Likely benign for Dilated cardiomyopathy 1W. Last evaluated: 2026-01-31. Review status: criteria provided, single submitter. Criteria: Invitae Variant Classification Sherloc (09022015). Collection method: clinical testing. Allele origin: germline.

Women's Health and Genetics/Laboratory Corporation of America, LabCorp
Classification: Likely benign. Last evaluated: 2025-11-28. Review status: criteria provided, single submitter. Criteria: LabCorp Variant Classification Summary - May 2015. Collection method: clinical testing. Allele origin: germline.

PreventionGenetics, part of Exact Sciences
Classification: Likely benign for VCL-related condition. Last evaluated: 2025-08-18. Review status: criteria provided, single submitter. Criteria: ACMG Guidelines, 2015. Collection method: clinical testing. Allele origin: germline.
Comment: This variant is classified as likely benign based on ACMG/AMP sequence variant interpretation guidelines (Richards et al. 2015 PMID: 25741868, with internal and published modifications).

Molecular Diagnostic Laboratory for Inherited Cardiovascular Disease, Montreal Heart Institute
Classification: Likely benign. Last evaluated: 2025-04-09. Review status: criteria provided, single submitter. Criteria: ACMG Guidelines, 2015. Collection method: clinical testing. Allele origin: germline. Affected: no.
Comment: BP6;BP7

Blueprint Genetics
Classification: Likely benign. Last evaluated: 2024-04-09. Review status: criteria provided, single submitter. Criteria: ACMG Guidelines, 2015. Collection method: clinical testing. Allele origin: germline.

GeneDx
Classification: Likely benign. Last evaluated: 2020-12-16. Review status: criteria provided, single submitter. Criteria: GeneDx Variant Classification Process June 2021. Collection method: clinical testing. Allele origin: germline. Affected: yes.

Ambry Genetics
Classification: Likely benign for Cardiovascular phenotype. Last evaluated: 2020-06-22. Review status: criteria provided, single submitter. Criteria: Ambry Variant Classification Scheme 2023. Collection method: clinical testing. Allele origin: germline.

Clinical Genetics DNA and cytogenetics Diagnostics Lab, Erasmus MC, Erasmus Medical Center
Classification: Likely benign. Review status: no assertion criteria provided. Collection method: clinical testing. Allele origin: germline. Affected: yes. Study: VKGL Data-share Consensus. Not counted in ClinVar's aggregate classification.

Genome Diagnostics Laboratory, University Medical Center Utrecht
Classification: Likely benign. Review status: no assertion criteria provided. Collection method: clinical testing. Allele origin: germline. Affected: yes. Study: VKGL Data-share Consensus. Not counted in ClinVar's aggregate classification.

NM_014000.3(VCL):c.1206G>A (p.Pro402=)

Gene: VCL (vinculin; plus strand). Cytogenetic location: 10q22.2.
Variant type: single nucleotide variant.
Coding change: c.1206G>A on transcript NM_014000.3 (MANE Select); coding-DNA position 1206, G replaced by A.
Protein change: p.Pro402=; no amino-acid change (proline 402 retained).
Molecular consequence: synonymous variant.
Genome position (GRCh38, 1-based): chr10:74,090,052, G>A. VCF-style: chr10-74090052-G-A. GRCh37 (hg19) VCF-style: chr10-75849810-G-A.
Other names: c.1206G>A, p.Pro402= (NM_003373.4).
Identifiers: ClinVar variation 468803 (VCV000468803.22), dbSNP rs779265817, ClinGen allele CA5562953.